The following is an entry in ClinVar:

NM_001114633.2(PLA2G4B):c.102C>T (p.Tyr34=)

Genes: JMJD7-PLA2G4B (JMJD7-PLA2G4B readthrough; plus strand), PLA2G4B (phospholipase A2 group IVB; plus strand). Cytogenetic location: 15q15.1.
Variant type: single nucleotide variant.
Coding change: c.102C>T on transcript NM_001114633.2 (MANE Select); coding-DNA position 102, C replaced by T.
Protein change: p.Tyr34=; no amino-acid change (tyrosine 34 retained).
Molecular consequence: synonymous variant.
Genome position (GRCh38, 1-based): chr15:41,840,543, C>T. VCF-style: chr15-41840543-C-T. GRCh37 (hg19) VCF-style: chr15-42132741-C-T.
Other names: c.795C>T, p.Tyr265= (NM_001198588.2, NM_005090.4).
Identifiers: ClinVar variation 3052772 (VCV003052772.2), dbSNP rs145681480, ClinGen allele CA7499450.
Genomic context (GRCh38, chr15:41,840,543, plus strand): 5'-AGGGCTCTTGTCCACCGCTGGGCACTTGTTCCTTCCCGCAGTGACCCCCTCTGACTGCTA[C>T]GTGACTCTCTGGCTGCCCACGGCCTGCAGCCACAGGCTCCAGACACGCACGGTCAAGAAC-3'
Protein context (NP_001108105.1, residues 24-44): SKDLVTPSDC[Tyr34=]VTLWLPTACS

ClinVar aggregate classification (germline): Likely benign (0 of 4 stars; one submission).

Conditions:
PLA2G4B-related disorder. Also called: PLA2G4B-related condition.

Allele frequency attached by ClinVar (database versions not stated): gnomAD exomes 0.00012; ExAC 0.00058; 1000 Genomes Project 30x 0.00156; TOPMed 0.00169; gnomAD 0.00175; 1000 Genomes Project 0.00180; ESP Exome Variant Server 0.00200.
gnomAD v4.1: 464 of 1,613,878 alleles (0.029%); highest among the groups gnomAD compares: African/African-American, 0.53%; 1 homozygote.

Submission:

PreventionGenetics, part of Exact Sciences
Classification: Likely benign for PLA2G4B-related condition. Last evaluated: 2019-04-10. Review status: no assertion criteria provided. Collection method: clinical testing. Allele origin: germline.
Comment: This variant is classified as likely benign based on ACMG/AMP sequence variant interpretation guidelines (Richards et al. 2015 PMID: 25741868, with internal and published modifications).